The following is an entry in ClinVar:

ClinVar aggregate classification (germline): Uncertain significance. Review status: criteria provided, multiple submitters, no conflicts (2 of 4 stars). 3 submissions from 3 submitters: Uncertain significance (3). Last evaluated 2025-12-14.

Conditions:
Hereditary cancer-predisposing syndrome. Also called: Tumor predisposition; Neoplastic Syndromes, Hereditary; Hereditary Cancer Syndrome; Hereditary neoplastic syndrome. Identifiers: Orphanet 140162, MedGen C0027672, MeSH D009386, MONDO:0015356.
Ataxia-telangiectasia syndrome (AT). Also called: ATAXIA-TELANGIECTASIA, COMPLEMENTATION GROUP A; ATAXIA-TELANGIECTASIA, FRESNO VARIANT; Ataxia-telangiectasia; Ataxia-telangiectasia, complementation group D; AT, COMPLEMENTATION GROUP C; Ataxia-telangiectasia, complementation group E. Identifiers: Orphanet 100, MedGen C0004135, MONDO:0008840, OMIM 208900.

Allele frequency attached by ClinVar (database versions not stated): gnomAD 0.00001; TOPMed below 0.00001.
gnomAD v4.1: 1 of 1,613,952 alleles (0.000062%); no homozygotes.

Submissions (3):

Labcorp Genetics (formerly Invitae), Labcorp
Classification: Uncertain significance for Ataxia-telangiectasia syndrome. Last evaluated: 2025-12-14. Review status: criteria provided, single submitter. Criteria: Invitae Variant Classification Sherloc (09022015). Collection method: clinical testing. Allele origin: germline.
Comment: This sequence change replaces aspartic acid, which is acidic and polar, with tyrosine, which is neutral and polar, at codon 2959 of the ATM protein (p.Asp2959Tyr). This variant is not present in population databases (gnomAD no frequency). This variant has not been reported in the literature in individuals affected with ATM-related conditions. ClinVar contains an entry for this variant (Variation ID: 861931). Invitae Evidence Modeling of protein sequence and biophysical properties (such as structural, functional, and spatial information, amino acid conservation, physicochemical variation, residue mobility, and thermodynamic stability) indicates that this missense variant is expected to disrupt ATM protein function with a positive predictive value of 80%. In summary, the available evidence is currently insufficient to determine the role of this variant in disease. Therefore, it has been classified as a Variant of Uncertain Significance.

Ambry Genetics
Classification: Uncertain significance for Hereditary cancer-predisposing syndrome. Last evaluated: 2022-08-24. Review status: criteria provided, single submitter. Criteria: Ambry Variant Classification Scheme 2023. Collection method: clinical testing. Allele origin: germline.
Comment: The p.D2959Y variant (also known as c.8875G>T), located in coding exon 61 of the ATM gene, results from a G to T substitution at nucleotide position 8875. The aspartic acid at codon 2959 is replaced by tyrosine, an amino acid with highly dissimilar properties. This amino acid position is conserved. In addition, this alteration is predicted to be deleterious by in silico analysis. Since supporting evidence is limited at this time, the clinical significance of this alteration remains unclear.

GeneDx
Classification: Uncertain significance. Last evaluated: 2020-09-22. Review status: criteria provided, single submitter. Criteria: GeneDx Variant Classification Process June 2021. Collection method: clinical testing. Allele origin: germline. Affected: yes.
Comment: Not observed in large population cohorts (Lek 2016); In silico analysis supports that this missense variant has a deleterious effect on protein structure/function; Has not been previously published as pathogenic or benign to our knowledge

NM_000051.4(ATM):c.8875G>T (p.Asp2959Tyr)

Genes: C11orf65 (chromosome 11 open reading frame 65; minus strand), ATM (ATM serine/threonine kinase; plus strand). Cytogenetic location: 11q22.3.
Variant type: single nucleotide variant.
Coding change: c.8875G>T on transcript NM_000051.4 (MANE Select); coding-DNA position 8875, G replaced by T.
Protein change: p.Asp2959Tyr; replaces aspartic acid 2959 with tyrosine.
Molecular consequence: missense variant. On other transcripts: intron variant (2).
Genome position (GRCh38, 1-based): chr11:108,365,106, G>T. VCF-style: chr11-108365106-G-T. GRCh37 (hg19) VCF-style: chr11-108235833-G-T.
Other names: c.8875G>T, p.Asp2959Tyr (NM_001351834.2); c.640+20814C>A (NM_001330368.2); c.694+20814C>A (NM_001351110.2); short protein forms D2959Y.
Identifiers: ClinVar variation 861931 (VCV000861931.15), dbSNP rs1400589510, ClinGen allele CA382529639.
Genomic context (GRCh38, chr11:108,365,106, plus strand): 5'-CATTGTTCTTTTAATACATATGTTCTCTCTGTTTAGGTCCTTCTATATGATCCACTCTTT[G>T]ACTGGACCATGAATCCTTTGAAAGCTTTGTATTTACAGCAGAGGCCGGAAGATGAAACTG-3'
Protein context (NP_000042.3, residues 2949-2969): VEVLLYDPLF[Asp2959Tyr]WTMNPLKALY